The following is an entry in ClinVar:

ClinVar aggregate classification (germline): Uncertain significance (1 of 4 stars; one submission).

Submission:

Ambry Genetics
Classification: Uncertain significance. Last evaluated: 2022-11-06. Review status: criteria provided, single submitter. Criteria: Ambry Variant Classification Scheme 2023. Collection method: clinical testing. Allele origin: germline.
Comment: The p.E491Q variant (also known as c.1471G>C), located in coding exon 12 of the RECQL gene, results from a G to C substitution at nucleotide position 1471. The glutamic acid at codon 491 is replaced by glutamine, an amino acid with highly similar properties. This amino acid position is conserved. In addition, this alteration is predicted to be tolerated by in silico analysis. Since supporting evidence is limited at this time, the clinical significance of this alteration remains unclear.

NM_002907.4(RECQL):c.1471G>C (p.Glu491Gln)

Gene: RECQL (RecQ like helicase; minus strand). Cytogenetic location: 12p12.1.
Variant type: single nucleotide variant.
Coding change: c.1471G>C on transcript NM_002907.4 (MANE Select); coding-DNA position 1471, G replaced by C.
Protein change: p.Glu491Gln; replaces glutamic acid 491 with glutamine.
Molecular consequence: missense variant.
Genome position (GRCh38, 1-based): chr12:21,471,624, C>G on the plus strand (G>C on the coding strand, the complement: RECQL is on the minus strand). VCF-style: chr12-21471624-C-G. GRCh37 (hg19) VCF-style: chr12-21624558-C-G.
Other names: c.1471G>C, p.Glu491Gln (NM_032941.3); short protein forms E491Q.
Identifiers: ClinVar variation 2463468 (VCV002463468.2), dbSNP rs2540322580, ClinGen allele CA384116350.
Genomic context (GRCh38, chr12:21,471,624, plus strand): 5'-TGAGTTTTTCATTCAGTTCCTCTGCCTGCTTCAGGATCTTGATTAGATCTCTGCAGTACT[C>G]TGTTATGTTCTTTCTTTCAAATGCTGTAATAAAACAAATATGGTAGCAGGTAATTAGGAT-3'
Protein context (NP_002898.2, residues 481-501): DSAFERKNIT[Glu491Gln]YCRDLIKILK